The following is an entry in ClinVar:

NM_001079866.2(BCS1L):c.796C>T (p.Leu266Phe)

Gene: BCS1L (BCS1 ubiquinol-cytochrome c reductase complex chaperone; plus strand). Cytogenetic location: 2q35.
Variant type: single nucleotide variant.
Coding change: c.796C>T on transcript NM_001079866.2 (MANE Select); coding-DNA position 796, C replaced by T.
Protein change: p.Leu266Phe; replaces leucine 266 with phenylalanine.
Molecular consequence: missense variant. On other transcripts: non-coding transcript variant (1).
Genome position (GRCh38, 1-based): chr2:218,662,586, C>T. VCF-style: chr2-218662586-C-T. GRCh37 (hg19) VCF-style: chr2-219527309-C-T.
Other names: c.796C>T, p.Leu266Phe (NM_001257342.2, NM_001257343.2, NM_001257344.2 and 10 more transcripts); c.436C>T, p.Leu146Phe (NM_001318836.2, NM_001371451.1); c.295C>T, p.Leu99Phe (NM_001371452.1, NM_001371453.1, NM_001371454.1 and 3 more transcripts); short protein forms L99F, L146F, L266F.
Identifiers: ClinVar variation 2151402 (VCV002151402.3), dbSNP rs759269878, ClinGen allele CA2109763.

ClinVar aggregate classification (germline): Uncertain significance (1 of 4 stars; one submission).

Allele frequency attached by ClinVar (database versions not stated): gnomAD 0.00001; TOPMed 0.00001; gnomAD exomes 0.00002; ExAC 0.00005.
gnomAD v4.1: 33 of 1,614,118 alleles (0.002%); highest among the groups gnomAD compares: Non-Finnish European, 0.0026%; no homozygotes.

Submission:

Labcorp Genetics (formerly Invitae), Labcorp
Classification: Uncertain significance. Last evaluated: 2024-11-11. Review status: criteria provided, single submitter. Criteria: Invitae Variant Classification Sherloc (09022015). Collection method: clinical testing. Allele origin: germline.
Comment: This sequence change replaces leucine, which is neutral and non-polar, with phenylalanine, which is neutral and non-polar, at codon 266 of the BCS1L protein (p.Leu266Phe). This variant is present in population databases (rs759269878, gnomAD 0.006%). This variant has not been reported in the literature in individuals affected with BCS1L-related conditions. ClinVar contains an entry for this variant (Variation ID: 2151402). Invitae Evidence Modeling of protein sequence and biophysical properties (such as structural, functional, and spatial information, amino acid conservation, physicochemical variation, residue mobility, and thermodynamic stability) has been performed for this missense variant. However, the output from this modeling did not meet the statistical confidence thresholds required to predict the impact of this variant on BCS1L protein function. In summary, the available evidence is currently insufficient to determine the role of this variant in disease. Therefore, it has been classified as a Variant of Uncertain Significance.